The following is an entry in ClinVar:

ClinVar aggregate classification (germline): Uncertain significance (1 of 4 stars; one submission).

Allele frequency attached by ClinVar (database versions not stated): gnomAD exomes below 0.00001.
gnomAD v4.1: 2 of 1,613,916 alleles (0.00012%); highest among the groups gnomAD compares: African/African-American, 0.0027%; no homozygotes.

Submission:

Labcorp Genetics (formerly Invitae), Labcorp
Classification: Uncertain significance. Last evaluated: 2024-05-29. Review status: criteria provided, single submitter. Criteria: Invitae Variant Classification Sherloc (09022015). Collection method: clinical testing. Allele origin: germline.
Comment: This sequence change replaces tyrosine, which is neutral and polar, with cysteine, which is neutral and slightly polar, at codon 945 of the KIAA1549 protein (p.Tyr945Cys). This variant is not present in population databases (gnomAD no frequency). This variant has not been reported in the literature in individuals affected with KIAA1549-related conditions. ClinVar contains an entry for this variant (Variation ID: 1037928). An algorithm developed to predict the effect of missense changes on protein structure and function (PolyPhen-2) suggests that this variant is likely to be disruptive. In summary, the available evidence is currently insufficient to determine the role of this variant in disease. Therefore, it has been classified as a Variant of Uncertain Significance.

NM_001164665.2(KIAA1549):c.2834A>G (p.Tyr945Cys)

Gene: KIAA1549 (KIAA1549; minus strand). Cytogenetic location: 7q34.
Variant type: single nucleotide variant.
Coding change: c.2834A>G on transcript NM_001164665.2 (MANE Select); coding-DNA position 2834, A replaced by G.
Protein change: p.Tyr945Cys; replaces tyrosine 945 with cysteine.
Molecular consequence: missense variant.
Genome position (GRCh38, 1-based): chr7:138,916,792, T>C on the plus strand (A>G on the coding strand, the complement: KIAA1549 is on the minus strand). VCF-style: chr7-138916792-T-C. GRCh37 (hg19) VCF-style: chr7-138601538-T-C.
Other names: c.2834A>G, p.Tyr945Cys (NM_020910.3); short protein forms Y945C.
Identifiers: ClinVar variation 1037928 (VCV001037928.6), dbSNP rs1812332498, ClinGen allele CA369391896.